The following is an entry in ClinVar:

ClinVar aggregate classification (germline): Uncertain significance. Review status: criteria provided, multiple submitters, no conflicts (2 of 4 stars). 4 submissions from 4 submitters: Uncertain significance (4). Last evaluated 2025-07-09.

Conditions:
Primary dilated cardiomyopathy (DCM). Also called: Dilated Cardiomyopathy. Identifiers: Orphanet 217604, MedGen C0007193, MeSH D002311, MONDO:0005021, HP:0001644. Inheritance: Various modes of inheritance.
Cardiovascular phenotype. Identifiers: MedGen CN230736.

Allele frequency attached by ClinVar (database versions not stated): ExAC 0.00002; gnomAD 0.00002; gnomAD exomes 0.00002 and 0.00007; TOPMed 0.00002.
gnomAD v4.1: 103 of 1,613,710 alleles (0.0064%); highest among the groups gnomAD compares: East Asian, 0.04%; no homozygotes.

Submissions (4):

Labcorp Genetics (formerly Invitae), Labcorp
Classification: Uncertain significance for Primary dilated cardiomyopathy. Last evaluated: 2025-07-09. Review status: criteria provided, single submitter. Criteria: Invitae Variant Classification Sherloc (09022015). Collection method: clinical testing. Allele origin: germline.
Comment: This sequence change replaces arginine, which is basic and polar, with glutamine, which is neutral and polar, at codon 441 of the TXNRD2 protein (p.Arg441Gln). This variant is present in population databases (rs759374389, gnomAD 0.006%). This variant has not been reported in the literature in individuals affected with TXNRD2-related conditions. ClinVar contains an entry for this variant (Variation ID: 222885). Invitae Evidence Modeling of protein sequence and biophysical properties (such as structural, functional, and spatial information, amino acid conservation, physicochemical variation, residue mobility, and thermodynamic stability) indicates that this missense variant is not expected to disrupt TXNRD2 protein function with a negative predictive value of 80%. In summary, the available evidence is currently insufficient to determine the role of this variant in disease. Therefore, it has been classified as a Variant of Uncertain Significance.

Ambry Genetics
Classification: Uncertain significance for Cardiovascular phenotype. Last evaluated: 2023-10-15. Review status: criteria provided, single submitter. Criteria: Ambry Variant Classification Scheme 2023. Collection method: clinical testing. Allele origin: germline.
Comment: The p.R441Q variant (also known as c.1322G>A), located in coding exon 15 of the TXNRD2 gene, results from a G to A substitution at nucleotide position 1322. The arginine at codon 441 is replaced by glutamine, an amino acid with highly similar properties. This amino acid position is conserved. In addition, the in silico prediction for this alteration is inconclusive. Since supporting evidence is limited at this time, the clinical significance of this alteration remains unclear.

Blueprint Genetics
Classification: Uncertain significance. Last evaluated: 2021-12-14. Review status: criteria provided, single submitter. Criteria: ACMG Guidelines, 2015. Collection method: clinical testing. Allele origin: germline.

GeneDx
Classification: Uncertain significance. Last evaluated: 2017-12-20. Review status: criteria provided, single submitter. Criteria: GeneDx Variant Classification (06012015). Collection method: clinical testing. Allele origin: germline. Affected: yes.
Comment: The R441Q variant has not been published as a pathogenic variant, nor has it been reported as a benign variant to our knowledge. The R441Q variant is observed in 1/17248 (0.006%) alleles from individuals of East Asian background and 6/246246 (0.002%) total alleles in large population cohorts (Lek et al., 2016). The R441Q variant is a semi-conservative amino acid substitution, which may impact secondary protein structure as these residues differ in some properties. In-silico analyses, including protein predictors and evolutionary conservation, support a deleterious effect. We interpret R441Q as a variant of uncertain significance.

NM_006440.5(TXNRD2):c.1322G>A (p.Arg441Gln)

Gene: TXNRD2 (thioredoxin reductase 2; minus strand). Cytogenetic location: 22q11.21.
Variant type: single nucleotide variant.
Coding change: c.1322G>A on transcript NM_006440.5 (MANE Select); coding-DNA position 1322, G replaced by A.
Protein change: p.Arg441Gln; replaces arginine 441 with glutamine.
Molecular consequence: missense variant. On other transcripts: non-coding transcript variant (1).
Genome position (GRCh38, 1-based): chr22:19,878,391, C>T on the plus strand (G>A on the coding strand, the complement: TXNRD2 is on the minus strand). VCF-style: chr22-19878391-C-T. GRCh37 (hg19) VCF-style: chr22-19865914-C-T.
Other names: c.1319G>A, p.Arg440Gln (NM_001352300.2); c.1232G>A, p.Arg411Gln (NM_001352301.2); c.1034G>A, p.Arg345Gln (NM_001352302.2); short protein forms R441Q, R440Q, R345Q, R411Q.
Identifiers: ClinVar variation 222885 (VCV000222885.10), dbSNP rs759374389, ClinGen allele CA087090.
Genomic context (GRCh38, chr22:19,878,391, plus strand): 5'-TCATCCTCAGCACCCTGGGCCACAGGGATGCTCACCTTTACATAACACTGGGATGCATCT[C>T]GTCCAGCCACCGTGAACTCCAGTGGTTTATAATGGGCGTGATAGACCTGAGGACAGGATA-3'
Protein context (NP_006431.2, residues 431-451): YKPLEFTVAG[Arg441Gln]DASQCYVKMV